The following is an entry in ClinVar:

ClinVar aggregate classification (germline): Uncertain significance. Review status: criteria provided, multiple submitters, no conflicts (2 of 4 stars). 3 submissions from 3 submitters: Uncertain significance (3). Last evaluated 2025-11-19.

Allele frequency attached by ClinVar (database versions not stated): gnomAD exomes 0.00003 and 0.00009; ExAC 0.00015; 1000 Genomes Project 30x 0.00016; 1000 Genomes Project 0.00020; ESP Exome Variant Server 0.00031; gnomAD 0.00036 and 0.00037; TOPMed 0.00036.

Submissions (3):

Ambry Genetics
Classification: Uncertain significance. Last evaluated: 2025-11-19. Review status: criteria provided, single submitter. Criteria: Ambry Variant Classification Scheme 2023. Collection method: clinical testing. Allele origin: germline.

Labcorp Genetics (formerly Invitae), Labcorp
Classification: Uncertain significance. Last evaluated: 2024-08-16. Review status: criteria provided, single submitter. Criteria: Invitae Variant Classification Sherloc (09022015). Collection method: clinical testing. Allele origin: germline.
Comment: This sequence change replaces arginine, which is basic and polar, with glutamine, which is neutral and polar, at codon 129 of the NDUFB9 protein (p.Arg129Gln). This variant is present in population databases (rs141620081, gnomAD 0.08%), and has an allele count higher than expected for a pathogenic variant. This variant has not been reported in the literature in individuals affected with NDUFB9-related conditions. ClinVar contains an entry for this variant (Variation ID: 1369906). An algorithm developed to predict the effect of missense changes on protein structure and function outputs the following: PolyPhen-2: "Benign". The glutamine amino acid residue is found in multiple mammalian species, which suggests that this missense change does not adversely affect protein function. In summary, the available evidence is currently insufficient to determine the role of this variant in disease. Therefore, it has been classified as a Variant of Uncertain Significance.

Breakthrough Genomics
Classification: Uncertain significance. Review status: criteria provided, single submitter. Criteria: ACMG Guidelines, 2015. Collection method: not provided. Allele origin: germline. Inheritance: Autosomal recessive inheritance. Affected: yes.

NM_005005.3(NDUFB9):c.386G>A (p.Arg129Gln)

Gene: NDUFB9 (NADH:ubiquinone oxidoreductase subunit B9; plus strand). Cytogenetic location: 8q24.13.
Variant type: single nucleotide variant.
Coding change: c.386G>A on transcript NM_005005.3 (MANE Select); coding-DNA position 386, G replaced by A.
Protein change: p.Arg129Gln; replaces arginine 129 with glutamine.
Molecular consequence: missense variant.
Genome position (GRCh38, 1-based): chr8:124,547,091, G>A. VCF-style: chr8-124547091-G-A. GRCh37 (hg19) VCF-style: chr8-125559332-G-A.
Other names: c.386G>A (NM_005005.2); c.218G>A, p.Arg73Gln (NM_001278645.2); c.257G>A, p.Arg86Gln (NM_001278646.2); c.353G>A, p.Arg118Gln (NM_001311168.2); short protein forms R86Q, R129Q, R73Q, R118Q.
Identifiers: ClinVar variation 1369906 (VCV001369906.8), dbSNP rs141620081, ClinGen allele CA4871547.